The following is an entry in ClinVar:

NM_053025.4(MYLK):c.617G>A (p.Arg206His)

Gene: MYLK (myosin light chain kinase; minus strand). Cytogenetic location: 3q21.1.
Variant type: single nucleotide variant.
Coding change: c.617G>A on transcript NM_053025.4 (MANE Select); coding-DNA position 617, G replaced by A.
Protein change: p.Arg206His; replaces arginine 206 with histidine.
Molecular consequence: missense variant.
Genome position (GRCh38, 1-based): chr3:123,737,515, C>T on the plus strand (G>A on the coding strand, the complement: MYLK is on the minus strand). VCF-style: chr3-123737515-C-T. GRCh37 (hg19) VCF-style: chr3-123456362-C-T.
Other names: c.89G>A, p.Arg30His (NM_001321309.2); c.617G>A, p.Arg206His (NM_053026.4, NM_053027.4, NM_053028.4); short protein forms R30H, R206H.
Identifiers: ClinVar variation 1752059 (VCV001752059.7), dbSNP rs367649461, ClinGen allele CA073370.

ClinVar aggregate classification (germline): Uncertain significance. Review status: criteria provided, multiple submitters, no conflicts (2 of 4 stars). 3 submissions from 3 submitters: Uncertain significance (3). Last evaluated 2025-12-29.

Conditions:
Familial thoracic aortic aneurysm and aortic dissection (TAAD). Also called: Thoracic aortic aneurysms and dissections. Identifiers: Orphanet 91387, MedGen C4707243, MONDO:0019625.
Aortic aneurysm, familial thoracic 7 (AAT7). Also called: AORTIC DISSECTION, FAMILIAL, WITH OR WITHOUT AORTIC ANEURYSM. Identifiers: MedGen C3151077, MONDO:0013418, OMIM 613780.

Allele frequency attached by ClinVar (database versions not stated): gnomAD exomes 0.00001; TOPMed 0.00001; ESP Exome Variant Server 0.00008.

Submissions (3):

Labcorp Genetics (formerly Invitae), Labcorp
Classification: Uncertain significance for Aortic aneurysm, familial thoracic 7. Last evaluated: 2025-12-29. Review status: criteria provided, single submitter. Criteria: Invitae Variant Classification Sherloc (09022015). Collection method: clinical testing. Allele origin: germline.
Comment: This sequence change replaces arginine, which is basic and polar, with histidine, which is basic and polar, at codon 206 of the MYLK protein (p.Arg206His). This variant is present in population databases (rs367649461, gnomAD 0.002%). This variant has not been reported in the literature in individuals affected with MYLK-related conditions. ClinVar contains an entry for this variant (Variation ID: 1752059). Invitae Evidence Modeling of protein sequence and biophysical properties (such as structural, functional, and spatial information, amino acid conservation, physicochemical variation, residue mobility, and thermodynamic stability) indicates that this missense variant is not expected to disrupt MYLK protein function with a negative predictive value of 95%. In summary, the available evidence is currently insufficient to determine the role of this variant in disease. Therefore, it has been classified as a Variant of Uncertain Significance.

Ambry Genetics
Classification: Uncertain significance for Familial thoracic aortic aneurysm and aortic dissection. Last evaluated: 2023-08-02. Review status: criteria provided, single submitter. Criteria: Ambry Variant Classification Scheme 2023. Collection method: clinical testing. Allele origin: germline.
Comment: The p.R206H variant (also known as c.617G>A), located in coding exon 5 of the MYLK gene, results from a G to A substitution at nucleotide position 617. The arginine at codon 206 is replaced by histidine, an amino acid with highly similar properties. This amino acid position is highly conserved in available vertebrate species. In addition, this alteration is predicted to be tolerated by in silico analysis. Since supporting evidence is limited at this time, the clinical significance of this alteration remains unclear.

GeneDx
Classification: Uncertain significance. Last evaluated: 2023-02-16. Review status: criteria provided, single submitter. Criteria: GeneDx Variant Classification Process June 2021. Collection method: clinical testing. Allele origin: germline. Affected: yes.
Comment: Has not been previously published as pathogenic or benign to our knowledge; Not observed at significant frequency in large population cohorts (gnomAD); In silico analysis supports that this missense variant does not alter protein structure/function